The following is an entry in ClinVar:

ClinVar aggregate classification (germline): Uncertain significance (1 of 4 stars; one submission).

Submission:

Labcorp Genetics (formerly Invitae), Labcorp
Classification: Uncertain significance. Last evaluated: 2024-10-17. Review status: criteria provided, single submitter. Criteria: Invitae Variant Classification Sherloc (09022015). Collection method: clinical testing. Allele origin: germline.
Comment: This sequence change replaces valine, which is neutral and non-polar, with phenylalanine, which is neutral and non-polar, at codon 601 of the SLC7A14 protein (p.Val601Phe). This variant is not present in population databases (gnomAD no frequency). This variant has not been reported in the literature in individuals affected with SLC7A14-related conditions. An algorithm developed to predict the effect of missense changes on protein structure and function (PolyPhen-2) suggests that this variant is likely to be tolerated. In summary, the available evidence is currently insufficient to determine the role of this variant in disease. Therefore, it has been classified as a Variant of Uncertain Significance.

NM_020949.3(SLC7A14):c.1801G>T (p.Val601Phe)

Genes: SLC7A14 (solute carrier family 7 member 14; minus strand), SLC7A14-AS1 (SLC7A14 antisense RNA 1; plus strand). Cytogenetic location: 3q26.2.
Variant type: single nucleotide variant.
Coding change: c.1801G>T on transcript NM_020949.3 (MANE Select); coding-DNA position 1801, G replaced by T.
Protein change: p.Val601Phe; replaces valine 601 with phenylalanine.
Molecular consequence: missense variant.
Genome position (GRCh38, 1-based): chr3:170,480,481, C>A on the plus strand (G>T on the coding strand, the complement: SLC7A14 is on the minus strand). VCF-style: chr3-170480481-C-A. GRCh37 (hg19) VCF-style: chr3-170198270-C-A.
Other names: short protein forms V601F.
Identifiers: ClinVar variation 3679229 (VCV003679229.2).